The following is an entry in ClinVar:

ClinVar aggregate classification (germline): Uncertain significance. Review status: criteria provided, multiple submitters, no conflicts (2 of 4 stars). 2 submissions from 2 submitters: Uncertain significance (2). Last evaluated 2025-04-08.

Conditions:
Cardiovascular phenotype. Identifiers: MedGen CN230736.

Allele frequency attached by ClinVar (database versions not stated): gnomAD exomes 0.00002 and 0.00005; ExAC 0.00004; gnomAD 0.00021 and 0.00024; TOPMed 0.00025; ESP Exome Variant Server 0.00040.
gnomAD v4.1: 73 of 1,613,426 alleles (0.0045%); highest among the groups gnomAD compares: African/African-American, 0.076%; no homozygotes.

Submissions (2):

GeneDx
Classification: Uncertain significance. Last evaluated: 2025-04-08. Review status: criteria provided, single submitter. Criteria: GeneDx Variant Classification Process June 2021. Collection method: clinical testing. Allele origin: germline. Affected: yes.
Comment: Has not been previously published as pathogenic or benign to our knowledge; In silico analysis supports that this missense variant has a deleterious effect on protein structure/function

Ambry Genetics
Classification: Uncertain significance for Cardiovascular phenotype. Last evaluated: 2024-06-07. Review status: criteria provided, single submitter. Criteria: Ambry Variant Classification Scheme 2023. Collection method: clinical testing. Allele origin: germline.

NM_001365276.2(TNXB):c.7351C>T (p.Arg2451Trp)

Gene: TNXB (tenascin XB; minus strand). Cytogenetic location: 6p21.33.
Variant type: single nucleotide variant.
Coding change: c.7351C>T on transcript NM_001365276.2 (MANE Select); coding-DNA position 7351, C replaced by T.
Protein change: p.Arg2451Trp; replaces arginine 2451 with tryptophan.
Molecular consequence: missense variant.
Genome position (GRCh38, 1-based): chr6:32,061,538, G>A on the plus strand (C>T on the coding strand, the complement: TNXB is on the minus strand). VCF-style: chr6-32061538-G-A. GRCh37 (hg19) VCF-style: chr6-32029315-G-A.
Other names: c.7351C>T, p.Arg2451Trp (NM_019105.8); short protein forms R2451W.
Identifiers: ClinVar variation 1193864 (VCV001193864.7), dbSNP rs201990072, ClinGen allele CA3734180.